The following is an entry in ClinVar:

NM_001101362.3(KBTBD13):c.*1075C>T

Gene: KBTBD13 (kelch repeat and BTB domain containing 13; plus strand). Cytogenetic location: 15q22.31.
Variant type: single nucleotide variant.
Coding change: c.*1075C>T on transcript NM_001101362.3 (MANE Select); 1075 bases downstream of the stop codon, C replaced by T.
Molecular consequence: 3 prime UTR variant.
Genome position (GRCh38, 1-based): chr15:65,079,267, C>T. VCF-style: chr15-65079267-C-T. GRCh37 (hg19) VCF-style: chr15-65371605-C-T.
Identifiers: ClinVar variation 316766 (VCV000316766.5), dbSNP rs75894955, ClinGen allele CA10647267.
Genomic context (GRCh38, chr15:65,079,267, plus strand): 5'-GCCTCATCTTCCTCAGTTGTAGCCCCTCCTCCACATTCTACAGGTTTGTTCTCTTCCTGT[C>T]CTATTCTGCCCTTTGCAATTCCCTGGGCTGGAATGCCTAGTCTCCTCCTCTCTCCCTGTC-3'

ClinVar aggregate classification (germline): Benign (1 of 4 stars; one submission).

Conditions:
Nemaline myopathy 6 (NEM6). Also called: Nemaline myopathy 6, autosomal dominant. Identifiers: Orphanet 171439, MedGen C1836472, MONDO:0012237, OMIM 609273.

Allele frequency attached by ClinVar (database versions not stated): gnomAD 0.00380 and 0.00416; TOPMed 0.00543; 1000 Genomes Project 30x 0.00937; 1000 Genomes Project 0.00938.
gnomAD v4.1: 629 of 152,298 alleles (0.41%); highest among the groups gnomAD compares: Admixed American, 2.9%; 13 homozygotes.

Submission:

Illumina Laboratory Services, Illumina
Classification: Benign for Nemaline myopathy 6. Last evaluated: 2018-01-13. Review status: criteria provided, single submitter. Criteria: ICSL Variant Classification Criteria 13 December 2019. Collection method: clinical testing. Allele origin: germline.
Comment: This variant was observed in the ICSL laboratory as part of a predisposition screen in an ostensibly healthy population. It had not been previously curated by ICSL or reported in the Human Gene Mutation Database (HGMD: prior to June 1st, 2018), and was therefore a candidate for classification through an automated scoring system. Utilizing variant allele frequency, disease prevalence and penetrance estimates, and inheritance mode, an automated score was calculated to assess if this variant is too frequent to cause the disease. Based on the score and internal cut-off values, a variant classified as benign is not then subjected to further curation. The score for this variant resulted in a classification of benign for this disease.